The following is an entry in ClinVar:

ClinVar aggregate classification (germline): Benign/Likely benign. Review status: criteria provided, multiple submitters, no conflicts (2 of 4 stars). 4 submissions from 4 submitters: Benign (1); Likely benign (3). Last evaluated 2026-03-12.

Conditions:
Hereditary cancer-predisposing syndrome. Also called: Tumor predisposition; Neoplastic Syndromes, Hereditary; Hereditary Cancer Syndrome; Hereditary neoplastic syndrome. Identifiers: Orphanet 140162, MedGen C0027672, MeSH D009386, MONDO:0015356.
Tuberous sclerosis syndrome (TSC). Also called: Tuberous Sclerosis Complex; Tuberous sclerosis. Identifiers: Orphanet 805, MedGen C0041341, MONDO:0001734.
Tuberous sclerosis 2 (TSC2). Identifiers: Orphanet 805, MedGen C1860707, MONDO:0013199, OMIM 613254.

Submissions (4):

Ambry Genetics
Classification: Likely benign for Hereditary cancer-predisposing syndrome. Last evaluated: 2026-03-12. Review status: criteria provided, single submitter. Criteria: Ambry Variant Classification Scheme 2023. Collection method: clinical testing. Allele origin: germline.

Labcorp Genetics (formerly Invitae), Labcorp
Classification: Likely benign for Tuberous sclerosis 2. Last evaluated: 2025-09-20. Review status: criteria provided, single submitter. Criteria: Invitae Variant Classification Sherloc (09022015). Collection method: clinical testing. Allele origin: germline.

Myriad Genetics, Inc.
Classification: Benign for Tuberous sclerosis 2. Last evaluated: 2025-05-19. Review status: criteria provided, single submitter. Criteria: Myriad Autosomal Dominant, Autosomal Recessive and X-Linked Classification Criteria (2023). Collection method: clinical testing. Allele origin: unknown.
Comment: This variant is considered benign. This variant is a silent/synonymous amino acid change and it is not expected to impact splicing.

All of Us Research Program, National Institutes of Health
Classification: Likely benign for Tuberous sclerosis syndrome. Last evaluated: 2023-05-16. Review status: criteria provided, single submitter. Criteria: ACMG Guidelines, 2015. Collection method: clinical testing. Allele origin: germline. Inheritance: Autosomal dominant inheritance. Observed: 1 variant allele, 1 heterozygote.
Comment: This study involves interpretation of variants in research participants for the purpose of population health screening. Participant phenotype was not available at the time of variant classification. Additional details can be found in publication PMID: 35346344, PMCID: PMC8962531

NM_000548.5(TSC2):c.2089T>C (p.Leu697=)

Gene: TSC2 (TSC complex subunit 2; plus strand). Cytogenetic location: 16p13.3.
Variant type: single nucleotide variant.
Coding change: c.2089T>C on transcript NM_000548.5 (MANE Select); coding-DNA position 2089, T replaced by C.
Protein change: p.Leu697=; no amino-acid change (leucine 697 retained).
Molecular consequence: synonymous variant.
Genome position (GRCh38, 1-based): chr16:2,071,926, T>C. VCF-style: chr16-2071926-T-C. GRCh37 (hg19) VCF-style: chr16-2121927-T-C.
Other names: c.2089T>C, p.Leu697= (NM_001077183.3, NM_001114382.3, NM_001363528.2 and 3 more transcripts); c.1978T>C, p.Leu660= (NM_001318827.2); c.1942T>C, p.Leu648= (NM_001318829.2); c.1489T>C, p.Leu497= (NM_001318831.2); c.2122T>C, p.Leu708= (NM_001318832.2).
Identifiers: ClinVar variation 764063 (VCV000764063.11), dbSNP rs1596345177, ClinGen allele CA493042642.
Genomic context (GRCh38, chr16:2,071,926, plus strand): 5'-CCCGCCGTGCGGCTGGGGTCCGTGCCCTACTCCCTGCTCTTCCGCGTCCTGCTGCAGTGC[T>C]TGAAGCAGGTGAGTGGGGCCGGGCAGGGACCATCCGTCCCACGTTGGGCCAGGAGGACAG-3'
Protein context (NP_000539.2, residues 687-707): SLLFRVLLQC[Leu697=]KQESDWKVLK